The following is an entry in ClinVar:

ClinVar aggregate classification (germline): Uncertain significance (1 of 4 stars; one submission).

Allele frequency attached by ClinVar (database versions not stated): gnomAD exomes below 0.00001; gnomAD 0.00001.
gnomAD v4.1: 3 of 1,609,510 alleles (0.00019%); highest among the groups gnomAD compares: Non-Finnish European, 0.00025%; no homozygotes.

Submission:

Mayo Clinic Laboratories, Mayo Clinic
Classification: Uncertain significance. Last evaluated: 2023-02-10. Review status: criteria provided, single submitter. Criteria: ACMG Guidelines, 2015. Collection method: clinical testing. Allele origin: germline. Observed: 1 variant allele.
Comment: BP4

NM_001365276.2(TNXB):c.10073T>C (p.Leu3358Pro)

Gene: TNXB (tenascin XB; minus strand). Cytogenetic location: 6p21.33.
Variant type: single nucleotide variant.
Coding change: c.10073T>C on transcript NM_001365276.2 (MANE Select); coding-DNA position 10073, T replaced by C.
Protein change: p.Leu3358Pro; replaces leucine 3358 with proline.
Molecular consequence: missense variant.
Genome position (GRCh38, 1-based): chr6:32,047,985, A>G on the plus strand (T>C on the coding strand, the complement: TNXB is on the minus strand). VCF-style: chr6-32047985-A-G. GRCh37 (hg19) VCF-style: chr6-32015762-A-G.
Other names: p.Leu3356Pro; c.10067T>C, p.Leu3356Pro (NM_019105.8); short protein forms L3356P, L3358P.
Identifiers: ClinVar variation 2682926 (VCV002682926.1), dbSNP rs933217824, ClinGen allele CA136899172.